The following is an entry in ClinVar:

ClinVar aggregate classification (germline): Benign. Review status: criteria provided, multiple submitters, no conflicts (2 of 4 stars). 4 submissions from 4 submitters: Benign (4). Last evaluated 2026-02-02.

Allele frequency attached by ClinVar (database versions not stated): 1000 Genomes Project 0.00280; 1000 Genomes Project 30x 0.00297; gnomAD exomes 0.00789; gnomAD 0.00807 and 0.00831; ExAC 0.00831; TOPMed 0.00884; ESP Exome Variant Server 0.01161.
gnomAD v4.1: 20,205 of 1,614,166 alleles (1.3%); highest among the groups gnomAD compares: Non-Finnish European, 1.6%; 153 homozygotes.

Submissions (4):

Labcorp Genetics (formerly Invitae), Labcorp
Classification: Benign. Last evaluated: 2026-02-02. Review status: criteria provided, single submitter. Criteria: Invitae Variant Classification Sherloc (09022015). Collection method: clinical testing. Allele origin: germline.

CeGaT Center for Human Genetics Tuebingen
Classification: Benign. Last evaluated: 2022-11-01. Review status: criteria provided, single submitter. Criteria: CeGaT Center For Human Genetics Tuebingen Variant Classification Criteria Version 2. Collection method: clinical testing. Allele origin: germline. Affected: yes. Observed: 2 variant alleles.
Comment: NRL: BS1, BS2; PCK2: BS1, BS2

Mayo Clinic Laboratories, Mayo Clinic
Classification: Benign. Last evaluated: 2018-02-05. Review status: criteria provided, single submitter. Criteria: ACMG Guidelines, 2015. Collection method: clinical testing. Allele origin: germline. Observed: 20 variant alleles.

Breakthrough Genomics
Classification: Benign. Review status: criteria provided, single submitter. Criteria: ACMG Guidelines, 2015. Collection method: not provided. Allele origin: germline. Inheritance: Autosomal recessive inheritance. Affected: yes.

NM_004563.4(PCK2):c.1682G>A (p.Arg561Gln)

Genes: NRL (neural retina leucine zipper; minus strand), PCK2 (phosphoenolpyruvate carboxykinase 2, mitochondrial; plus strand). Cytogenetic location: 14q12.
Variant type: single nucleotide variant.
Coding change: c.1682G>A on transcript NM_004563.4 (MANE Select); coding-DNA position 1682, G replaced by A.
Protein change: p.Arg561Gln; replaces arginine 561 with glutamine.
Molecular consequence: missense variant. On other transcripts: intron variant (3).
Genome position (GRCh38, 1-based): chr14:24,103,723, G>A. VCF-style: chr14-24103723-G-A. GRCh37 (hg19) VCF-style: chr14-24572932-G-A.
Other names: p.Arg561Gln; c.1280G>A, p.Arg427Gln (NM_001291556.2, NM_001308054.2); c.-28+10999C>T (NM_001354768.3, NM_001354770.2); c.-254+10999C>T (NM_006177.5); short protein forms R561Q, R427Q.
Identifiers: ClinVar variation 789756 (VCV000789756.35), dbSNP rs111723834, ClinGen allele CA7123598.